The following is an entry in ClinVar:

NM_001374828.1(ARID1B):c.4705C>T (p.Gln1569Ter)

Gene: ARID1B (AT-rich interaction domain 1B; plus strand). Cytogenetic location: 6q25.3.
Variant type: single nucleotide variant.
Coding change: c.4705C>T on transcript NM_001374828.1 (MANE Select); coding-DNA position 4705, C replaced by T.
Protein change: p.Gln1569Ter; replaces glutamine 1569 with a stop codon.
Molecular consequence: nonsense.
Genome position (GRCh38, 1-based): chr6:157,200,930, C>T. VCF-style: chr6-157200930-C-T. GRCh37 (hg19) VCF-style: chr6-157522064-C-T.
Other names: c.4336C>T, p.Gln1446Ter (NM_020732.3); c.2206C>T, p.Gln736Ter (NM_001363725.2); c.4585C>T, p.Gln1529Ter (NM_001371656.1, NM_001374820.1); c.4546C>T, p.Gln1516Ter (NM_017519.3); short protein forms Q1446*, Q736*, Q1516*, Q1529*, Q1569*.
Identifiers: ClinVar variation 210293 (VCV000210293.8), dbSNP rs797045278, ClinGen allele CA206215.
Genomic context (GRCh38, chr6:157,200,930, plus strand): 5'-CCCTACAGCAGGGAGAGGATGCAGGGCCCGGGGCAGATCCAGACACACGGAATCCCGCCT[C>T]AGATGATGGGCGGCCCGCTGCAGTCGTCCTCCAGTGAGGGGCCTCAGCAGAATATGTGGG-3'

ClinVar aggregate classification (germline): Pathogenic/Likely pathogenic. Review status: criteria provided, multiple submitters, no conflicts (2 of 4 stars). 2 submissions from 2 submitters: Pathogenic (1); Likely pathogenic (1). Last evaluated 2024-06-20.

Conditions:
Coffin-Siris syndrome 1 (CSS1). Also called: Mental retardation, autosomal dominant 12; ARID1B-Related Coffin-Siris Syndrome. Identifiers: Orphanet 1465, MedGen C3281201, MONDO:0007617, OMIM 135900. Disease mechanism: gain of function.

Submissions (2):

Labcorp Genetics (formerly Invitae), Labcorp
Classification: Pathogenic. Last evaluated: 2024-06-20. Review status: criteria provided, single submitter. Criteria: Invitae Variant Classification Sherloc (09022015). Collection method: clinical testing. Allele origin: germline.
Comment: This sequence change creates a premature translational stop signal (p.Gln1446*) in the ARID1B gene. It is expected to result in an absent or disrupted protein product. Loss-of-function variants in ARID1B are known to be pathogenic (PMID: 25674384, 30349098). This variant is not present in population databases (gnomAD no frequency). This premature translational stop signal has been observed in individual(s) with Coffin-Siris syndrome (PMID: 31530938). ClinVar contains an entry for this variant (Variation ID: 210293). For these reasons, this variant has been classified as Pathogenic.

Genetic Services Laboratory, University of Chicago
Classification: Likely pathogenic for Mental retardation, autosomal dominant 12. Last evaluated: 2014-11-12. Review status: criteria provided, single submitter. Criteria: ACMG Guidelines, 2015. Collection method: clinical testing. Allele origin: germline. Affected: yes.

Literature cited by the submitters: PubMed 25674384 (cited by Labcorp Genetics (formerly Invitae), Labcorp); PubMed 30349098 (cited by Labcorp Genetics (formerly Invitae), Labcorp); PubMed 31530938 (cited by Labcorp Genetics (formerly Invitae), Labcorp).